The following is an entry in ClinVar:

NM_000062.3(SERPING1):c.805_809dup (p.Asn271fs)

Gene: SERPING1 (serpin family G member 1; plus strand). Cytogenetic location: 11q12.1.
Variant type: Duplication.
Coding change: c.805_809dup on transcript NM_000062.3 (MANE Select); coding-DNA positions 805 to 809, 5 bases duplicated (AACAC; older notation c.805_809dupAACAC).
Protein change: p.Asn271fs; shifts the reading frame from asparagine 271.
Molecular consequence: frameshift variant.
Genome position (GRCh38, 1-based): chr11:57,606,129-57,606,133, AACAC duplicated. VCF-style (leftmost placement, unchanged base first): chr11-57606128-G-GAACAC. GRCh37 (hg19) VCF-style: chr11-57373601-G-GAACAC.
Other names: c.805_809dup, p.Asn271fs (NM_001032295.2); short protein forms N271fs.
Identifiers: ClinVar variation 2833041 (VCV002833041.3), dbSNP rs2495440926, ClinGen allele CA2695214103.
Genomic context (GRCh38, chr11:57,606,128, plus strand): 5'-CAGAGTCCTAAGCAACAACAGTGACGCCAACTTGGAGCTCATCAACACCTGGGTGGCCAA[G>GAACAC]AACACCAACAACAAGATCAGCCGGCTGCTAGACAGTCTGCCCTCCGATACCCGCCTTGTC-3'

ClinVar aggregate classification (germline): Pathogenic (1 of 4 stars; one submission).

Submission:

Labcorp Genetics (formerly Invitae), Labcorp
Classification: Pathogenic. Last evaluated: 2023-02-01. Review status: criteria provided, single submitter. Criteria: Invitae Variant Classification Sherloc (09022015). Collection method: clinical testing. Allele origin: germline.
Comment: This sequence change creates a premature translational stop signal (p.Asn271Thrfs*10) in the SERPING1 gene. It is expected to result in an absent or disrupted protein product. Loss-of-function variants in SERPING1 are known to be pathogenic (PMID: 11112899, 24456027). This variant is not present in population databases (gnomAD no frequency). This premature translational stop signal has been observed in individual(s) with hereditary angioedema (PMID: 7937817). This variant is also known as insertion of AACAC between nt.8448 and 8449. For these reasons, this variant has been classified as Pathogenic.

Literature cited by the submitters: PubMed 11112899; PubMed 24456027; PubMed 7937817.